The following is an entry in ClinVar:

NM_001458.5(FLNC):c.2212C>G (p.His738Asp)

Gene: FLNC (filamin C; plus strand). Cytogenetic location: 7q32.1.
Variant type: single nucleotide variant.
Coding change: c.2212C>G on transcript NM_001458.5 (MANE Select); coding-DNA position 2212, C replaced by G.
Protein change: p.His738Asp; replaces histidine 738 with aspartic acid.
Molecular consequence: missense variant.
Genome position (GRCh38, 1-based): chr7:128,842,321, C>G. VCF-style: chr7-128842321-C-G. GRCh37 (hg19) VCF-style: chr7-128482375-C-G.
Other names: c.2212C>G, p.His738Asp (NM_001127487.2); short protein forms H738D.
Identifiers: ClinVar variation 937789 (VCV000937789.10), dbSNP rs1236577531, ClinGen allele CA369229245.

ClinVar aggregate classification (germline): Uncertain significance (1 of 4 stars; one submission).

Conditions:
Myofibrillar myopathy 5. Also called: Filaminopathy (type); FILAMINOPATHY, AUTOSOMAL DOMINANT. Identifiers: Orphanet 171445, MedGen C1836050, MONDO:0012289, OMIM 609524.
Hypertrophic cardiomyopathy 26. Also called: Cardiomyopathy, familial hypertrophic, 26. Identifiers: Orphanet 75249, MedGen C4310749, MONDO:0014883, OMIM 617047.
Distal myopathy with posterior leg and anterior hand involvement. Also called: WILLIAMS DISTAL MYOPATHY. Identifiers: Orphanet 63273, MedGen C3279722, MONDO:0013550, OMIM 614065.

Allele frequency attached by ClinVar (database versions not stated): gnomAD 0.00001; TOPMed 0.00001.
gnomAD v4.1: 1 of 1,613,756 alleles (0.000062%); highest among the groups gnomAD compares: Non-Finnish European, 0.000085%; no homozygotes.

Submission:

Labcorp Genetics (formerly Invitae), Labcorp
Classification: Uncertain significance for Distal myopathy with posterior leg and anterior hand involvement; Myofibrillar myopathy 5; Hypertrophic cardiomyopathy 26. Last evaluated: 2024-01-21. Review status: criteria provided, single submitter. Criteria: Invitae Variant Classification Sherloc (09022015). Collection method: clinical testing. Allele origin: germline.
Comment: This sequence change replaces histidine, which is basic and polar, with aspartic acid, which is acidic and polar, at codon 738 of the FLNC protein (p.His738Asp). This variant is not present in population databases (gnomAD no frequency). This variant has not been reported in the literature in individuals affected with FLNC-related conditions. ClinVar contains an entry for this variant (Variation ID: 937789). Advanced modeling of protein sequence and biophysical properties (such as structural, functional, and spatial information, amino acid conservation, physicochemical variation, residue mobility, and thermodynamic stability) has been performed at Invitae for this missense variant, however the output from this modeling did not meet the statistical confidence thresholds required to predict the impact of this variant on FLNC protein function. In summary, the available evidence is currently insufficient to determine the role of this variant in disease. Therefore, it has been classified as a Variant of Uncertain Significance.